The following is an entry in ClinVar:

NM_000540.3(RYR1):c.1689G>A (p.Leu563=)

Gene: RYR1 (ryanodine receptor 1; plus strand). Cytogenetic location: 19q13.2.
Variant type: single nucleotide variant.
Coding change: c.1689G>A on transcript NM_000540.3 (MANE Select); coding-DNA position 1689, G replaced by A.
Protein change: p.Leu563=; no amino-acid change (leucine 563 retained).
Molecular consequence: synonymous variant.
Genome position (GRCh38, 1-based): chr19:38,455,649, G>A. VCF-style: chr19-38455649-G-A. GRCh37 (hg19) VCF-style: chr19-38946289-G-A.
Other names: c.1689G>A, p.Leu563= (NM_001042723.2).
Identifiers: ClinVar variation 2967176 (VCV002967176.4), dbSNP rs755832859, ClinGen allele CA308123479.
Genomic context (GRCh38, chr19:38,455,649, plus strand): 5'-GATGGGCATGGCCGCTTCACCTCTCATTCTGGGCACCCTGGCAGGCATCCTGGAGGTCCT[G>A]TACTGTGTCCTCATTGAGAGTCCAGAGGTTCTGAACATCATCCAGGAGAATCACATCAAG-3'
Protein context (NP_000531.2, residues 553-573): LEASSGILEV[Leu563=]YCVLIESPEV

ClinVar aggregate classification (germline): Likely benign. Review status: criteria provided, multiple submitters, no conflicts (2 of 4 stars). 2 submissions from 2 submitters: Likely benign (2). Last evaluated 2024-03-24.

Conditions:
Malignant hyperthermia, susceptibility to, 1 (MHS1). Also called: Malignant hyperthermia suceptibility 1; RYR1-Related Malignant Hyperthermia Susceptibility; Anesthesia related hyperthermia; Malignant hyperpyrexia; Fulminating hyperpyrexia; Pharmacogenic myopathy. Identifiers: Orphanet 423, MedGen C2930980, MONDO:0007783, OMIM 145600.
RYR1-related disorder. Also called: RYR1-related disorders; RYR1-related condition. Identifiers: MedGen CN239331.

Allele frequency attached by ClinVar (database versions not stated): TOPMed below 0.00001; gnomAD 0.00001.
gnomAD v4.1: 5 of 1,613,602 alleles (0.00031%); highest among the groups gnomAD compares: South Asian, 0.0011%; no homozygotes.

Submissions (2):

All of Us Research Program, National Institutes of Health
Classification: Likely benign for Malignant hyperthermia, susceptibility to, 1. Last evaluated: 2024-03-24. Review status: criteria provided, single submitter. Criteria: ACMG Guidelines, 2015. Collection method: clinical testing. Allele origin: germline. Inheritance: Autosomal dominant inheritance. Observed: 1 variant allele, 1 heterozygote.
Comment: This study involves interpretation of variants in research participants for the purpose of population health screening. Participant phenotype was not available at the time of variant classification. Additional details can be found in publication PMID: 35346344, PMCID: PMC8962531

Labcorp Genetics (formerly Invitae), Labcorp
Classification: Likely benign for RYR1-related disorder. Last evaluated: 2023-08-30. Review status: criteria provided, single submitter. Criteria: Invitae Variant Classification Sherloc (09022015). Collection method: clinical testing. Allele origin: germline.